The following is an entry in ClinVar:

NM_001267550.2(TTN):c.66632dup (p.Asn22211fs)

Genes: TTN (titin; minus strand), TTN-AS1 (TTN antisense RNA 1; plus strand). Cytogenetic location: 2q31.2.
Variant type: Duplication.
Coding change: c.66632dup on transcript NM_001267550.2 (MANE Select); coding-DNA position 66632, one base duplicated (A; older notation c.66632dupA).
Protein change: p.Asn22211fs; shifts the reading frame from asparagine 22211.
Molecular consequence: frameshift variant.
Genome position (GRCh38, 1-based): chr2:178,581,636, T duplicated on the plus strand (A on the coding strand, the reverse complement: TTN is on the minus strand); the first of 2 consecutive T bases (chr2:178,581,636-178,581,637); duplicating either gives the same sequence. VCF-style (leftmost placement, unchanged base first): chr2-178581635-A-AT. GRCh37 (hg19) VCF-style: chr2-179446362-A-AT.
Other names: c.39437dupA (NM_003319.4); c.61709dup, p.Asn20570fs (NM_001256850.1); c.39437dup, p.Asn13146fs (NM_003319.4); c.58928dup, p.Asn19643fs (NM_133378.4); c.39812dup, p.Asn13271fs (NM_133432.3); c.40013dup, p.Asn13338fs (NM_133437.4); short protein forms N13271fs, N13146fs, N19643fs, N22211fs, N13338fs, N20570fs.
Identifiers: ClinVar variation 1736366 (VCV001736366.5), dbSNP rs1440081449, ClinGen allele CA761291910.

ClinVar aggregate classification (germline): Pathogenic/Likely pathogenic. Review status: criteria provided, multiple submitters, no conflicts (2 of 4 stars). 3 submissions from 3 submitters: Pathogenic (2); Likely pathogenic (1). Last evaluated 2026-09-01.

Conditions:
Dilated cardiomyopathy 1G (CMD1G). Identifiers: Orphanet 154, MedGen C1858763, MONDO:0011400, OMIM 604145.
Cardiovascular phenotype. Identifiers: MedGen CN230736.
Autosomal recessive limb-girdle muscular dystrophy type 2J (LGMDR10). Also called: Limb-girdle muscular dystrophy, type 2J; MUSCULAR DYSTROPHY, LIMB-GIRDLE, AUTOSOMAL RECESSIVE 10. Identifiers: Orphanet 140922, MedGen C1837342, MONDO:0012127, OMIM 608807.

Submissions (3):

MVZ Medizinische Genetik Mainz
Classification: Pathogenic for Dilated cardiomyopathy 1G. Last evaluated: 2026-09-01. Review status: criteria provided, single submitter. Criteria: UK Practice Guidelines For Variant Classification V4 01 2020. Collection method: clinical testing. Allele origin: germline. Inheritance: Autosomal dominant inheritance. Affected: yes. Observed: 1 variant allele.
Comment: ACMG Criteria: PVS1,PS4_SUP,PM2_SUP

Labcorp Genetics (formerly Invitae), Labcorp
Classification: Likely pathogenic for Dilated cardiomyopathy 1G; Autosomal recessive limb-girdle muscular dystrophy type 2J. Last evaluated: 2025-08-14. Review status: criteria provided, single submitter. Criteria: Invitae Variant Classification Sherloc (09022015). Collection method: clinical testing. Allele origin: germline.
Comment: This sequence change creates a premature translational stop signal (p.Asn22211Lysfs*8) in the TTN gene. While this is not anticipated to result in nonsense mediated decay, it is expected to create a truncated TTN protein. This variant is not present in population databases (gnomAD no frequency). This premature translational stop signal has been observed in individual(s) with dilated cardiomyopathy (PMID: 34731013). ClinVar contains an entry for this variant (Variation ID: 1736366). This variant is located in the A band of TTN (PMID: 25589632). Truncating variants in this region are significantly overrepresented in patients affected with dilated cardiomyopathy (PMID: 25589632). Truncating variants in this region have also been reported in individuals affected with autosomal recessive centronuclear myopathy (PMID: 23975875). In summary, the currently available evidence indicates that the variant is pathogenic, but additional data are needed to prove that conclusively. Therefore, this variant has been classified as Likely Pathogenic.

Ambry Genetics
Classification: Pathogenic for Cardiovascular phenotype. Last evaluated: 2025-02-21. Review status: criteria provided, single submitter. Criteria: Ambry Variant Classification Scheme 2023. Collection method: clinical testing. Allele origin: germline.
Comment: The c.39437dupA pathogenic mutation, located in coding exon 143 of the TTN gene, results from a duplication of A at nucleotide position 39437, causing a translational frameshift with a predicted alternate stop codon (p.N13146Kfs*8). This exon is located in the A-band region of the N2-B isoform of the titin protein and is constitutively expressed in TTN transcripts (percent spliced in or PSI 100%). This variant (referred to as p.Asn22211fs) was reported in individual(s) with features consistent dilated cardiomyopathy (van Heesch S et al. Cell, 2019 06;178:242-260.e29). This variant is considered to be rare based on population cohorts in the Genome Aggregation Database (gnomAD). This variant is expected to result in loss of function by premature protein truncation or nonsense-mediated mRNA decay. While truncating variants in TTN are present in 1-3% of the general population, truncating variants in the A-band are the most common cause of dilated cardiomyopathy (Herman DS et al. N. Engl. J. Med., 2012 Feb;366:619-28; Roberts AM et al. Sci Transl Med, 2015 Jan;7:270ra6). TTN truncating variants encoded in constitutive exons (PSI >90%) have been found to be significantly associated with DCM regardless of their position in titin (Schafer S et al. Nat. Genet., 2017 01;49:46-53; Akhtar MM et al. Circ Heart Fail, 2020 Oct;13:e006832; Massier M et al. Clin Genet, 2025 Jan). Based on the majority of available evidence to date, this variant is likely to be pathogenic.

Literature cited by the submitters: PubMed 34731013 (cited by Labcorp Genetics (formerly Invitae), Labcorp); PubMed 25589632 (cited by Labcorp Genetics (formerly Invitae), Labcorp); PubMed 23975875 (cited by Labcorp Genetics (formerly Invitae), Labcorp); PubMed 31155234 (cited by Ambry Genetics).